The following is an entry in ClinVar:

NM_000384.3(APOB):c.5188A>C (p.Lys1730Gln)

Gene: APOB (apolipoprotein B; minus strand). Cytogenetic location: 2p24.1.
Variant type: single nucleotide variant.
Coding change: c.5188A>C on transcript NM_000384.3 (MANE Select); coding-DNA position 5188, A replaced by C.
Protein change: p.Lys1730Gln; replaces lysine 1730 with glutamine.
Molecular consequence: missense variant.
Genome position (GRCh38, 1-based): chr2:21,011,680, T>G on the plus strand (A>C on the coding strand, the complement: APOB is on the minus strand). VCF-style: chr2-21011680-T-G. GRCh37 (hg19) VCF-style: chr2-21234552-T-G.
Other names: short protein forms K1730Q.
Identifiers: ClinVar variation 1803878 (VCV001803878.4), dbSNP rs1251305507, ClinGen allele CA346005282.

ClinVar aggregate classification (germline): Uncertain significance. Review status: criteria provided, multiple submitters, no conflicts (2 of 4 stars). 2 submissions from 2 submitters: Uncertain significance (2). Last evaluated 2026-09-11.

Conditions:
Familial hypobetalipoproteinemia 1. Also called: APOB-Related Familial Hypobetalipoproteinemia; Hypobetalipoproteinemia, normotriglyceridemic; Acanthocytosis with hypobetalipoproteinemia. Identifiers: MedGen C4551990, MONDO:0014252, OMIM 615558.
Hypercholesterolemia, autosomal dominant, type B (FHCL2). Also called: Familial Hypercholesterolemia Type B; APOLIPOPROTEIN B-100, FAMILIAL DEFECTIVE; APOLIPOPROTEIN B-100, FAMILIAL LIGAND-DEFECTIVE; HYPERCHOLESTEROLEMIA, FAMILIAL, DUE TO LIGAND-DEFECTIVE APOLIPOPROTEIN B; Hyperlipoproteinemia Type IIb; Familial hypercholesterolemia 2. Identifiers: MedGen C1704417, MONDO:0007751, OMIM 144010.
Cardiovascular phenotype. Identifiers: MedGen CN230736.

Allele frequency attached by ClinVar (database versions not stated): gnomAD exomes below 0.00001; TOPMed 0.00001; gnomAD 0.00001.
gnomAD v4.1: 3 of 1,614,062 alleles (0.00019%); highest among the groups gnomAD compares: African/African-American, 0.004%; no homozygotes.

Submissions (2):

Ambry Genetics
Classification: Uncertain significance for Cardiovascular phenotype. Last evaluated: 2026-09-11. Review status: criteria provided, single submitter. Criteria: Ambry Variant Classification Scheme 2023. Collection method: clinical testing. Allele origin: germline.
Comment: The p.K1730Q variant (also known as c.5188A>C), located in coding exon 26 of the APOB gene, results from an A to C substitution at nucleotide position 5188. The lysine at codon 1730 is replaced by glutamine, an amino acid with similar properties. This amino acid position is conserved. In addition, this alteration is predicted to be tolerated by in silico analysis. Based on the available evidence, the clinical significance of this variant remains unclear.

New York Genome Center
Classification: Uncertain significance for Hypercholesterolemia, autosomal dominant, type B; Familial hypobetalipoproteinemia 1. Last evaluated: 2021-11-17. Review status: criteria provided, single submitter. Criteria: NYGC Assertion Criteria 2020. Collection method: clinical testing. Allele origin: germline. Observed: 1 variant allele.
Comment: The heterozygous c.5188A>C (p.Lys1730Gln) missense variant identified in the APOB gene has not been reported in affected individuals in the literature. The variant has 0.00001314 allele frequency in the gnomAD(v3) database (2 out of 152176 heterozygous alleles, no homozygotes) suggesting it is not a common benign variant in the populations represented in that database. Another missense variant affecting the same codon (p.Lys1730) but resulting in a different amino acid change (p.Lys1730Thr) has been reported in the ClinVar database as a Variant of Uncertain Significance (Variation ID: 918761). The c.5188A>C(p.Lys1730Gln) variant affects a weakly conserved residue (Lys1730) located in the β1 domain of APOB protein (PMID: 11518754). In silico tools provide conflicting predictions about potential pathogenicity of this variant (CADD score = 25.3, REVEL score = 0.143). Due to the lack of compelling evidence for its pathogenicity, the heterozygous c.5188A>C (p.Lys1730Gln) missense variant identified in the APOB gene is reported as a Variant of Uncertain Significance.